The following is an entry in ClinVar:

ClinVar aggregate classification (germline): Uncertain significance (1 of 4 stars; one submission).

Conditions:
Neuroblastoma, susceptibility to, 3. Also called: ALK-Related Neuroblastic Tumor Susceptibility. Identifiers: Orphanet 635, MedGen C2751681, MONDO:0013083, OMIM 613014.

Allele frequency attached by ClinVar (database versions not stated): gnomAD exomes below 0.00001; ExAC 0.00001.
gnomAD v4.1: 1 of 1,613,724 alleles (0.000062%); no homozygotes.

Submission:

Labcorp Genetics (formerly Invitae), Labcorp
Classification: Uncertain significance for Neuroblastoma, susceptibility to, 3. Last evaluated: 2023-02-28. Review status: criteria provided, single submitter. Criteria: Invitae Variant Classification Sherloc (09022015). Collection method: clinical testing. Allele origin: germline.
Comment: In summary, the available evidence is currently insufficient to determine the role of this variant in disease. Therefore, it has been classified as a Variant of Uncertain Significance. Algorithms developed to predict the effect of sequence changes on RNA splicing suggest that this variant may disrupt the consensus splice site. This variant has not been reported in the literature in individuals affected with ALK-related conditions. This variant is present in population databases (rs765665803, gnomAD 0.004%). This sequence change affects codon 940 of the ALK mRNA. It is a 'silent' change, meaning that it does not change the encoded amino acid sequence of the ALK protein.

NM_004304.5(ALK):c.2820C>T (p.Gly940=)

Gene: ALK (ALK receptor tyrosine kinase; minus strand). Cytogenetic location: 2p23.2.
Variant type: single nucleotide variant.
Coding change: c.2820C>T on transcript NM_004304.5 (MANE Select); coding-DNA position 2820, C replaced by T.
Protein change: p.Gly940=; no amino-acid change (glycine 940 retained).
Molecular consequence: synonymous variant.
Genome position (GRCh38, 1-based): chr2:29,227,668, G>A on the plus strand (C>T on the coding strand, the complement: ALK is on the minus strand). VCF-style: chr2-29227668-G-A. GRCh37 (hg19) VCF-style: chr2-29450534-G-A.
Identifiers: ClinVar variation 2841470 (VCV002841470.3), dbSNP rs765665803, ClinGen allele CA1594167.